The following is an entry in ClinVar:

ClinVar aggregate classification (germline): Likely benign. Review status: criteria provided, multiple submitters, no conflicts (2 of 4 stars). 5 submissions from 5 submitters: Likely benign (4). 1 of the submissions does not count toward it. Last evaluated 2026-01-13.

Conditions:
Juvenile polyposis syndrome (JPS). Identifiers: Orphanet 2929, MedGen C0345893, MONDO:0017380, OMIM 174900.
Hereditary cancer-predisposing syndrome. Also called: Tumor predisposition; Neoplastic Syndromes, Hereditary; Hereditary Cancer Syndrome; Hereditary neoplastic syndrome. Identifiers: Orphanet 140162, MedGen C0027672, MeSH D009386, MONDO:0015356.

Allele frequency attached by ClinVar (database versions not stated): TOPMed 0.00007.
gnomAD v4.1: 25 of 1,611,062 alleles (0.0016%); highest among the groups gnomAD compares: African/African-American, 0.028%; no homozygotes.

Submissions (5):

Labcorp Genetics (formerly Invitae), Labcorp
Classification: Likely benign for Juvenile polyposis syndrome. Last evaluated: 2026-01-13. Review status: criteria provided, single submitter. Criteria: Invitae Variant Classification Sherloc (09022015). Collection method: clinical testing. Allele origin: germline.

Blueprint Genetics
Classification: Likely benign. Last evaluated: 2020-09-14. Review status: criteria provided, single submitter. Criteria: ACMG Guidelines, 2015. Collection method: clinical testing. Allele origin: germline.

Color Diagnostics, LLC DBA Color Health
Classification: Likely benign for Hereditary cancer-predisposing syndrome. Last evaluated: 2017-11-30. Review status: criteria provided, single submitter. Criteria: ACMG Guidelines, 2015. Collection method: clinical testing. Allele origin: germline.

GeneDx
Classification: Likely benign. Last evaluated: 2017-03-30. Review status: criteria provided, single submitter. Criteria: GeneDx Variant Classification (06012015). Collection method: clinical testing. Allele origin: germline. Affected: yes.
Comment: This variant is considered likely benign or benign based on one or more of the following criteria: it is a conservative change, it occurs at a poorly conserved position in the protein, it is predicted to be benign by multiple in silico algorithms, and/or has population frequency not consistent with disease.

University of Washington Department of Laboratory Medicine, University of Washington
Classification: Likely benign for Hereditary cancer-predisposing syndrome. Last evaluated: 2015-12-01. Review status: no assertion criteria provided. Collection method: clinical testing. Allele origin: germline. Affected: yes. Not counted in ClinVar's aggregate classification.

NM_005359.6(SMAD4):c.787+15T>C

Gene: SMAD4 (SMAD family member 4; plus strand). Cytogenetic location: 18q21.2.
Variant type: single nucleotide variant.
Coding change: c.787+15T>C on transcript NM_005359.6 (MANE Select); 15 bases into the intron after coding-DNA position 787, T replaced by C.
Molecular consequence: intron variant.
Genome position (GRCh38, 1-based): chr18:51,058,259, T>C. VCF-style: chr18-51058259-T-C. GRCh37 (hg19) VCF-style: chr18-48584629-T-C.
Identifiers: ClinVar variation 224018 (VCV000224018.13), dbSNP rs374687785, ClinGen allele CA339688.
Genomic context (GRCh38, chr18:51,058,259, plus strand): 5'-CAGCAGCAGAATGGATTTACTGGTCAGCCAGCTACTTACCATCATAGTATGTACATACTT[T>C]AAAAAATCTTTTAAATAGTTGAGAAAAAAGTAGGCAGCCTTTATAAAAGCAAATTAACCC-3'